The following is an entry in ClinVar:

ClinVar aggregate classification (germline): Uncertain significance. Review status: criteria provided, multiple submitters, no conflicts (2 of 4 stars). 2 submissions from 2 submitters: Uncertain significance (2). Last evaluated 2025-11-17.

Conditions:
Inborn genetic diseases. Identifiers: MedGen C0950123, MeSH D030342.

gnomAD v4.1: 61 of 1,611,370 alleles (0.0038%); highest among the groups gnomAD compares: African/African-American, 0.071%; no homozygotes.

Submissions (2):

Greenwood Genetic Center Diagnostic Laboratories, Greenwood Genetic Center
Classification: Uncertain significance. Last evaluated: 2025-11-17. Review status: criteria provided, single submitter. Criteria: ACMG Guidelines, 2015. Collection method: clinical testing. Allele origin: germline. Affected: yes.
Comment: PM2, BP4

Ambry Genetics
Classification: Uncertain significance for Inborn genetic diseases. Last evaluated: 2024-06-04. Review status: criteria provided, single submitter. Criteria: Ambry Variant Classification Scheme 2023. Collection method: clinical testing. Allele origin: germline.

NM_198129.4(LAMA3):c.1454C>G (p.Ala485Gly)

Gene: LAMA3 (laminin subunit alpha 3; plus strand). Cytogenetic location: 18q11.2.
Variant type: single nucleotide variant.
Coding change: c.1454C>G on transcript NM_198129.4 (MANE Select); coding-DNA position 1454, C replaced by G.
Protein change: p.Ala485Gly; replaces alanine 485 with glycine.
Molecular consequence: missense variant. On other transcripts: non-coding transcript variant (1).
Genome position (GRCh38, 1-based): chr18:23,777,605, C>G. VCF-style: chr18-23777605-C-G. GRCh37 (hg19) VCF-style: chr18-21357569-C-G.
Other names: c.1454C>G, p.Ala485Gly (NM_001127717.4); short protein forms A485G.
Identifiers: ClinVar variation 3289905 (VCV003289905.2).